The following is an entry in ClinVar:

ClinVar aggregate classification (germline): Uncertain significance (1 of 4 stars; one submission).

Submission:

Labcorp Genetics (formerly Invitae), Labcorp
Classification: Uncertain significance. Last evaluated: 2024-10-24. Review status: criteria provided, single submitter. Criteria: Invitae Variant Classification Sherloc (09022015). Collection method: clinical testing. Allele origin: germline.
Comment: This sequence change replaces serine, which is neutral and polar, with asparagine, which is neutral and polar, at codon 24 of the LRRC56 protein (p.Ser24Asn). This variant is not present in population databases (gnomAD no frequency). This variant has not been reported in the literature in individuals affected with LRRC56-related conditions. ClinVar contains an entry for this variant (Variation ID: 2105041). Invitae Evidence Modeling of protein sequence and biophysical properties (such as structural, functional, and spatial information, amino acid conservation, physicochemical variation, residue mobility, and thermodynamic stability) has been performed for this missense variant. However, the output from this modeling did not meet the statistical confidence thresholds required to predict the impact of this variant on LRRC56 protein function. In summary, the available evidence is currently insufficient to determine the role of this variant in disease. Therefore, it has been classified as a Variant of Uncertain Significance.

NM_198075.4(LRRC56):c.71G>A (p.Ser24Asn)

Gene: LRRC56 (leucine rich repeat containing 56; plus strand). Cytogenetic location: 11p15.5.
Variant type: single nucleotide variant.
Coding change: c.71G>A on transcript NM_198075.4 (MANE Select); coding-DNA position 71, G replaced by A.
Protein change: p.Ser24Asn; replaces serine 24 with asparagine.
Molecular consequence: missense variant.
Genome position (GRCh38, 1-based): chr11:540,755, G>A. VCF-style: chr11-540755-G-A. GRCh37 (hg19) VCF-style: chr11-540755-G-A.
Other names: short protein forms S24N.
Identifiers: ClinVar variation 2105041 (VCV002105041.4), dbSNP rs2539847609, ClinGen allele CA378930409.
Genomic context (GRCh38, chr11:540,755, plus strand): 5'-GCTGGGACAGATCCCGTGGGCCTCGGCGGAGCACCTCCAGCGTCCGGGTGCGGGAGCTGA[G>A]CTGGCAAGGCCTGCACAACCCCTGCCCACAGAGCAAGGGCCCTGGCAGTCAGAGGGACAG-3'
Protein context (NP_932341.1, residues 14-34): STSSVRVREL[Ser24Asn]WQGLHNPCPQ